The following is an entry in ClinVar:

ClinVar aggregate classification (germline): Conflicting classifications of pathogenicity. Review status: criteria provided, conflicting classifications (1 of 4 stars). 3 submissions from 2 submitters: Uncertain significance (2); Likely benign (1). Last evaluated 2023-11-12.

Conditions:
Maturity-onset diabetes of the young (MODY). Also called: Maturity onset diabetes mellitus in young. Identifiers: Orphanet 552, MedGen C0342276, MONDO:0018911, HP:0004904.
Transitory neonatal diabetes mellitus. Also called: Transient neonatal diabetes mellitus. Identifiers: MedGen C0342273, MONDO:0020525, HP:0008255.

Allele frequency attached by ClinVar (database versions not stated): ExAC 0.00001; gnomAD 0.00001; gnomAD exomes 0.00001.
gnomAD v4.1: 14 of 1,613,416 alleles (0.00087%); highest among the groups gnomAD compares: South Asian, 0.0011%; no homozygotes.

Submissions (3):

Labcorp Genetics (formerly Invitae), Labcorp
Classification: Likely benign. Last evaluated: 2023-11-12. Review status: criteria provided, single submitter. Criteria: Invitae Variant Classification Sherloc (09022015). Collection method: clinical testing. Allele origin: germline.

Clinical Genomics, Uppaluri K&H Personalized Medicine Clinic
Classification: Uncertain significance for Transitory neonatal diabetes mellitus. Review status: criteria provided, single submitter. Criteria: K & H Uppaluri Personalized Medicine Clinic Variant Classification & Assertion Criteria_Updated V.1. Collection method: research. Allele origin: unknown. Inheritance: Somatic mutation.
Comment: Mutations in ABCC8 gene are associated with both neonatal diabetes mellitus as well as MODY. Patients with this mutation may have a better response to sulfonylureas. However, no sufficient evidence is found to ascertain the role of this particular variant (rs763273046) in neonatal diabetes yet.

Clinical Genomics, Uppaluri K&H Personalized Medicine Clinic
Classification: Uncertain significance for Maturity-onset diabetes of the young. Review status: criteria provided, single submitter. Criteria: K & H Uppaluri Personalized Medicine Clinic Variant Classification & Assertion Criteria_Updated V.1. Collection method: research. Allele origin: unknown. Inheritance: Somatic mutation.
Comment: Mutations in ABCC8 gene are associated with both neonatal diabetes mellitus as well as MODY. Patients with this mutation may have a better response to sulfonylureas. However, no sufficient evidence is found to ascertain the role of this particular variant (rs763273046) in MODY yet.

Literature cited by the submitters: PubMed 16885549 (cited by Clinical Genomics, Uppaluri K&H Personalized Medicine Clinic); PubMed 21989597 (cited by Clinical Genomics, Uppaluri K&H Personalized Medicine Clinic); PubMed 27538677 (cited by Clinical Genomics, Uppaluri K&H Personalized Medicine Clinic); PubMed 18981553 (cited by Clinical Genomics, Uppaluri K&H Personalized Medicine Clinic); PubMed 32027066 (cited by Clinical Genomics, Uppaluri K&H Personalized Medicine Clinic); PubMed 16613899 (cited by Clinical Genomics, Uppaluri K&H Personalized Medicine Clinic); PubMed 18025408 (cited by Clinical Genomics, Uppaluri K&H Personalized Medicine Clinic); PubMed 32792356 (cited by Clinical Genomics, Uppaluri K&H Personalized Medicine Clinic).

NM_000352.6(ABCC8):c.1833C>T (p.Ser611=)

Gene: ABCC8 (ATP binding cassette subfamily C member 8; minus strand). Cytogenetic location: 11p15.1.
Variant type: single nucleotide variant.
Coding change: c.1833C>T on transcript NM_000352.6 (MANE Select); coding-DNA position 1833, C replaced by T.
Protein change: p.Ser611=; no amino-acid change (serine 611 retained).
Molecular consequence: synonymous variant. On other transcripts: non-coding transcript variant (1).
Genome position (GRCh38, 1-based): chr11:17,428,655, G>A on the plus strand (C>T on the coding strand, the complement: ABCC8 is on the minus strand). VCF-style: chr11-17428655-G-A. GRCh37 (hg19) VCF-style: chr11-17450202-G-A.
Other names: c.1833C>T, p.Ser611= (NM_001287174.3, NM_001351295.2); c.1830C>T, p.Ser610= (NM_001351296.2, NM_001351297.2).
Identifiers: ClinVar variation 1697228 (VCV001697228.4), dbSNP rs763273046, ClinGen allele CA5903417.